The following is an entry in ClinVar:

NM_004075.5(CRY1):c.1024G>A (p.Ala342Thr)

Gene: CRY1 (cryptochrome circadian regulator 1; minus strand). Cytogenetic location: 12q23.3.
Variant type: single nucleotide variant.
Coding change: c.1024G>A on transcript NM_004075.5 (MANE Select); coding-DNA position 1024, G replaced by A.
Protein change: p.Ala342Thr; replaces alanine 342 with threonine.
Molecular consequence: missense variant. On other transcripts: non-coding transcript variant (1).
Genome position (GRCh38, 1-based): chr12:106,999,664, C>T on the plus strand (G>A on the coding strand, the complement: CRY1 is on the minus strand). VCF-style: chr12-106999664-C-T. GRCh37 (hg19) VCF-style: chr12-107393442-C-T.
Other names: c.1024G>A, p.Ala342Thr (NM_001413458.1, NM_001413459.1, NM_001413460.1 and 2 more transcripts); c.1018G>A, p.Ala340Thr (NM_001413463.1); c.940G>A, p.Ala314Thr (NM_001413464.1, NM_001413465.1); c.637G>A, p.Ala213Thr (NM_001413466.1); c.547G>A, p.Ala183Thr (NM_001413467.1, NM_001413468.1, NM_001413469.1 and 1 more transcripts); short protein forms A183T, A213T, A314T, A340T, A342T.
Identifiers: ClinVar variation 3348751 (VCV003348751.1).

ClinVar aggregate classification (germline): Uncertain significance (0 of 4 stars; one submission).

Conditions:
CRY1-related disorder. Also called: CRY1-related condition.

gnomAD v4.1: 1 of 1,614,274 alleles (0.000062%); highest among the groups gnomAD compares: Non-Finnish European, 0.000085%; no homozygotes.

Submission:

PreventionGenetics, part of Exact Sciences
Classification: Uncertain significance for CRY1-related condition. Last evaluated: 2024-04-02. Review status: no assertion criteria provided. Collection method: clinical testing. Allele origin: germline.
Comment: The CRY1 c.1024G>A variant is predicted to result in the amino acid substitution p.Ala342Thr. To our knowledge, this variant has not been reported in the literature or in a large population database, indicating this variant is rare. At this time, the clinical significance of this variant is uncertain due to the absence of conclusive functional and genetic evidence.